The following is an entry in ClinVar:

NM_000183.3(HADHB):c.574A>G (p.Met192Val)

Gene: HADHB (hydroxyacyl-CoA dehydrogenase trifunctional multienzyme complex subunit beta; plus strand). Cytogenetic location: 2p23.3.
Variant type: single nucleotide variant.
Coding change: c.574A>G on transcript NM_000183.3 (MANE Select); coding-DNA position 574, A replaced by G.
Protein change: p.Met192Val; replaces methionine 192 with valine.
Molecular consequence: missense variant.
Genome position (GRCh38, 1-based): chr2:26,278,745, A>G. VCF-style: chr2-26278745-A-G. GRCh37 (hg19) VCF-style: chr2-26501613-A-G.
Other names: c.529A>G, p.Met177Val (NM_001281512.2); c.508A>G, p.Met170Val (NM_001281513.2); short protein forms M192V, M170V, M177V.
Identifiers: ClinVar variation 1430710 (VCV001430710.5), dbSNP rs772405727, ClinGen allele CA1560268.

ClinVar aggregate classification (germline): Uncertain significance (1 of 4 stars; one submission).

Conditions:
Mitochondrial trifunctional protein deficiency. Identifiers: Orphanet 746, MedGen C1969443, MONDO:0012172.

Allele frequency attached by ClinVar (database versions not stated): ExAC 0.00001; gnomAD 0.00002; gnomAD exomes 0.00003 and 0.00004.

Submission:

Labcorp Genetics (formerly Invitae), Labcorp
Classification: Uncertain significance for Mitochondrial trifunctional protein deficiency. Last evaluated: 2022-02-08. Review status: criteria provided, single submitter. Criteria: Invitae Variant Classification Sherloc (09022015). Collection method: clinical testing. Allele origin: germline.
Comment: This sequence change replaces methionine, which is neutral and non-polar, with valine, which is neutral and non-polar, at codon 192 of the HADHB protein (p.Met192Val). This variant is present in population databases (rs772405727, gnomAD 0.006%), including at least one homozygous and/or hemizygous individual. This variant has not been reported in the literature in individuals affected with HADHB-related conditions. Algorithms developed to predict the effect of missense changes on protein structure and function output the following: SIFT: "Tolerated"; PolyPhen-2: "Benign"; Align-GVGD: "Class C0". The valine amino acid residue is found in multiple mammalian species, which suggests that this missense change does not adversely affect protein function. In summary, the available evidence is currently insufficient to determine the role of this variant in disease. Therefore, it has been classified as a Variant of Uncertain Significance.